The following is an entry in ClinVar:

ClinVar aggregate classification (germline): Uncertain significance (1 of 4 stars; one submission).

Submission:

Labcorp Genetics (formerly Invitae), Labcorp
Classification: Uncertain significance. Last evaluated: 2022-02-18. Review status: criteria provided, single submitter. Criteria: Invitae Variant Classification Sherloc (09022015). Collection method: clinical testing. Allele origin: germline.
Comment: A gross deletion of the genomic region encompassing the full coding sequence of the COL4A6 gene has been identified. The current clinical and genetic evidence is not sufficient to establish whether loss-of-function variants in COL4A6 cause disease. The boundaries of this event are unknown as they extend beyond the assayed region for this gene and therefore may encompass additional genes. This variant has not been reported in the literature in individuals affected with COL4A6-related conditions. In summary, the available evidence is currently insufficient to determine the role of this variant in disease. Therefore, it has been classified as a Variant of Uncertain Significance.

NC_000023.10:g.(?_107400230)_(107939608_?)del

Genes: COL4A5 (collagen type IV alpha 5 chain; plus strand), COL4A6 (collagen type IV alpha 6 chain; minus strand). Cytogenetic location: Xq22.3.
Variant type: Deletion.
Identifiers: ClinVar variation 2424257 (VCV002424257.3).